The following is an entry in ClinVar:

ClinVar aggregate classification (germline): Uncertain significance (1 of 4 stars; one submission).

gnomAD v4.1: 1 of 1,211,401 alleles (0.000083%); highest among the groups gnomAD compares: Non-Finnish European, 0.00011%; no homozygotes.

Submission:

GeneDx
Classification: Uncertain significance. Last evaluated: 2021-11-01. Review status: criteria provided, single submitter. Criteria: GeneDx Variant Classification Process June 2021. Collection method: clinical testing. Allele origin: germline. Affected: yes.
Comment: Not observed at significant frequency in large population cohorts (Lek et al., 2016); In silico analysis supports that this missense variant does not alter protein structure/function; Has not been previously published as pathogenic or benign to our knowledge

NM_001110556.2(FLNA):c.5396T>C (p.Ile1799Thr)

Gene: FLNA (filamin A; minus strand). Cytogenetic location: Xq28.
Variant type: single nucleotide variant.
Coding change: c.5396T>C on transcript NM_001110556.2 (MANE Select); coding-DNA position 5396, T replaced by C.
Protein change: p.Ile1799Thr; replaces isoleucine 1799 with threonine.
Molecular consequence: missense variant.
Genome position (GRCh38, 1-based): chrX:154,354,401, A>G on the plus strand (T>C on the coding strand, the complement: FLNA is on the minus strand). VCF-style: chrX-154354401-A-G. GRCh37 (hg19) VCF-style: chrX-153582769-A-G.
Other names: c.5372T>C, p.Ile1791Thr (NM_001456.4); short protein forms I1791T, I1799T.
Identifiers: ClinVar variation 1321492 (VCV001321492.2), dbSNP rs2148106737, ClinGen allele CA415205175.